The following is an entry in ClinVar:

ClinVar aggregate classification (germline): Uncertain significance. Review status: criteria provided, multiple submitters, no conflicts (2 of 4 stars). 2 submissions from 2 submitters: Uncertain significance (2). Last evaluated 2024-09-25.

Allele frequency attached by ClinVar (database versions not stated): gnomAD exomes 0.00001; ExAC 0.00002; TOPMed 0.00002.
gnomAD v4.1: 4 of 1,608,860 alleles (0.00025%); highest among the groups gnomAD compares: Non-Finnish European, 0.00034%; no homozygotes.

Submissions (2):

Women's Health and Genetics/Laboratory Corporation of America, LabCorp
Classification: Uncertain significance. Last evaluated: 2024-09-25. Review status: criteria provided, single submitter. Criteria: LabCorp Variant Classification Summary - May 2015. Collection method: clinical testing. Allele origin: germline.
Comment: Variant summary: NALCN c.1954G>C (p.Asp652His) results in a non-conservative amino acid change in the encoded protein sequence. Five of five in-silico tools predict a damaging effect of the variant on protein function. The variant allele was found at a frequency of 8.1e-06 in 248066 control chromosomes. The available data on variant occurrences in the general population are insufficient to allow any conclusion about variant significance. To our knowledge, no occurrence of c.1954G>C in individuals affected with Congenital Contractures Of The Limbs And Face, Hypotonia, And Developmental Delay and no experimental evidence demonstrating its impact on protein function have been reported. ClinVar contains an entry for this variant (Variation ID: 3003924). Based on the evidence outlined above, the variant was classified as uncertain significance.

Labcorp Genetics (formerly Invitae), Labcorp
Classification: Uncertain significance. Last evaluated: 2023-08-22. Review status: criteria provided, single submitter. Criteria: Invitae Variant Classification Sherloc (09022015). Collection method: clinical testing. Allele origin: germline.
Comment: In summary, the available evidence is currently insufficient to determine the role of this variant in disease. Therefore, it has been classified as a Variant of Uncertain Significance. This sequence change replaces aspartic acid, which is acidic and polar, with histidine, which is basic and polar, at codon 652 of the NALCN protein (p.Asp652His). This variant is present in population databases (rs752673129, gnomAD 0.002%). This variant has not been reported in the literature in individuals affected with NALCN-related conditions. Advanced modeling of protein sequence and biophysical properties (such as structural, functional, and spatial information, amino acid conservation, physicochemical variation, residue mobility, and thermodynamic stability) performed at Invitae indicates that this missense variant is not expected to disrupt NALCN protein function.

NM_052867.4(NALCN):c.1954G>C (p.Asp652His)

Gene: NALCN (sodium leak channel, non-selective; minus strand). Cytogenetic location: 13q33.1.
Variant type: single nucleotide variant.
Coding change: c.1954G>C on transcript NM_052867.4 (MANE Select); coding-DNA position 1954, G replaced by C.
Protein change: p.Asp652His; replaces aspartic acid 652 with histidine.
Molecular consequence: missense variant.
Genome position (GRCh38, 1-based): chr13:101,144,782, C>G on the plus strand (G>C on the coding strand, the complement: NALCN is on the minus strand). VCF-style: chr13-101144782-C-G. GRCh37 (hg19) VCF-style: chr13-101797133-C-G.
Other names: c.1954G>C, p.Asp652His (NM_001350748.2, NM_001350749.2); c.1867G>C, p.Asp623His (NM_001350750.2, NM_001350751.2); short protein forms D652H, D623H.
Identifiers: ClinVar variation 3003924 (VCV003003924.4), dbSNP rs752673129, ClinGen allele CA7036017.